The following is an entry in ClinVar:

ClinVar aggregate classification (germline): Benign. Review status: criteria provided, single submitter (1 of 4 stars). 2 submissions from 2 submitters: Benign (1). 1 of the submissions does not count toward it. Last evaluated 2025-12-08.

Conditions:
KMT2D-related disorder. Also called: KMT2D-Related Disorders.
Kabuki syndrome. Also called: NIIKAWA-KUROKI SYNDROME; Kabuki make-up syndrome. Identifiers: Orphanet 2322, MedGen C0796004, MONDO:0016512.

Allele frequency attached by ClinVar (database versions not stated): gnomAD 0.00001 and 0.00002; TOPMed 0.00002; 1000 Genomes Project 0.00020; ExAC 0.00002; 1000 Genomes Project 30x 0.00031; gnomAD exomes 0.00002.
gnomAD v4.1: 27 of 1,564,900 alleles (0.0017%); highest among the groups gnomAD compares: Middle Eastern, 0.017%; no homozygotes.

Submissions (2):

Labcorp Genetics (formerly Invitae), Labcorp
Classification: Benign for Kabuki syndrome. Last evaluated: 2025-12-08. Review status: criteria provided, single submitter. Criteria: Invitae Variant Classification Sherloc (09022015). Collection method: clinical testing. Allele origin: germline.

PreventionGenetics, part of Exact Sciences
Classification: Uncertain significance for KMT2D-related condition. Last evaluated: 2024-06-26. Review status: no assertion criteria provided. Collection method: clinical testing. Allele origin: germline. Not counted in ClinVar's aggregate classification.
Comment: The KMT2D c.7378C>T variant is predicted to result in the amino acid substitution p.Arg2460Cys. This variant has been reported in a patient with Kabuki syndrome (Cocciadiferro et al. 2018. PubMed ID: 30107592). This variant is reported in 0.0090% of alleles in individuals of South Asian descent in gnomAD, which may be too common to be a primary cause of disease. Although we suspect this variant may be benign, at this time, the clinical significance of this variant is uncertain due to the absence of conclusive functional and genetic evidence.

NM_003482.4(KMT2D):c.7378C>T (p.Arg2460Cys)

Gene: KMT2D (lysine methyltransferase 2D; minus strand). Cytogenetic location: 12q13.12.
Variant type: single nucleotide variant.
Coding change: c.7378C>T on transcript NM_003482.4 (MANE Select); coding-DNA position 7378, C replaced by T.
Protein change: p.Arg2460Cys; replaces arginine 2460 with cysteine.
Molecular consequence: missense variant.
Genome position (GRCh38, 1-based): chr12:49,040,392, G>A on the plus strand (C>T on the coding strand, the complement: KMT2D is on the minus strand). VCF-style: chr12-49040392-G-A. GRCh37 (hg19) VCF-style: chr12-49434175-G-A.
Other names: c.7378C>T (NM_003482.3); short protein forms R2460C.
Identifiers: ClinVar variation 1623410 (VCV001623410.9), dbSNP rs570260017, ClinGen allele CA6547078.